The following is an entry in ClinVar:

NM_001170700.3(DTHD1):c.2341-4A>G

Gene: DTHD1 (death domain containing 1; plus strand). Cytogenetic location: 4p14.
Variant type: single nucleotide variant.
Coding change: c.2341-4A>G on transcript NM_001170700.3 (MANE Select); 4 bases into the intron before coding-DNA position 2341, A replaced by G.
Molecular consequence: intron variant.
Genome position (GRCh38, 1-based): chr4:36,339,108, A>G. VCF-style: chr4-36339108-A-G. GRCh37 (hg19) VCF-style: chr4-36340730-A-G.
Other names: c.1471-4A>G (NM_001136536.5); c.1408-4394A>G (NM_001378435.1).
Identifiers: ClinVar variation 2919334 (VCV002919334.3), dbSNP rs1467263670, ClinGen allele CA550953907.
Genomic context (GRCh38, chr4:36,339,108, plus strand): 5'-CGTTGTAGCTTATTCACAAATTAATTACTTCTTCTGTTTATTTTGTGTTCCTTTCCCCCA[A>G]TAGCATAAGAAATTAATCAACCGTCCACAGAGTACCAAAAGAGTTTCTAAGGATCCTGTA-3'

ClinVar aggregate classification (germline): Uncertain significance (1 of 4 stars; one submission).

Allele frequency attached by ClinVar (database versions not stated): gnomAD exomes 0.00001; gnomAD 0.00002.
gnomAD v4.1: 11 of 1,546,070 alleles (0.00071%); highest among the groups gnomAD compares: African/African-American, 0.0041%; no homozygotes.

Submission:

Labcorp Genetics (formerly Invitae), Labcorp
Classification: Uncertain significance. Last evaluated: 2023-04-20. Review status: criteria provided, single submitter. Criteria: Invitae Variant Classification Sherloc (09022015). Collection method: clinical testing. Allele origin: germline.
Comment: In summary, the available evidence is currently insufficient to determine the role of this variant in disease. Therefore, it has been classified as a Variant of Uncertain Significance. Algorithms developed to predict the effect of sequence changes on RNA splicing suggest that this variant may disrupt the consensus splice site. This variant has not been reported in the literature in individuals affected with DTHD1-related conditions. This variant is present in population databases (no rsID available, gnomAD 0.002%). This sequence change falls in intron 7 of the DTHD1 gene. It does not directly change the encoded amino acid sequence of the DTHD1 protein.